The following is an entry in ClinVar:

NM_000260.4(MYO7A):c.1915A>G (p.Asn639Asp)

Gene: MYO7A (myosin VIIA; plus strand). Cytogenetic location: 11q13.5.
Variant type: single nucleotide variant.
Coding change: c.1915A>G on transcript NM_000260.4 (MANE Select); coding-DNA position 1915, A replaced by G.
Protein change: p.Asn639Asp; replaces asparagine 639 with aspartic acid.
Molecular consequence: missense variant.
Genome position (GRCh38, 1-based): chr11:77,172,865, A>G. VCF-style: chr11-77172865-A-G. GRCh37 (hg19) VCF-style: chr11-76883911-A-G.
Other names: c.1915A>G, p.Asn639Asp (NM_001127180.2); c.1882A>G, p.Asn628Asp (NM_001369365.1); short protein forms N628D, N639D.
Identifiers: ClinVar variation 3774382 (VCV003774382.1).

ClinVar aggregate classification (germline): Uncertain significance (0 of 4 stars; one submission).

Conditions:
Autosomal recessive nonsyndromic hearing loss 2. Also called: DEAFNESS, AUTOSOMAL RECESSIVE 2; NEUROSENSORY NONSYNDROMIC RECESSIVE DEAFNESS 2. Identifiers: Orphanet 90636, MedGen C1838701, MONDO:0010807, OMIM 600060.

Submission:

Department of Pediatrics, Division of Medical Genetics, Faculty of Medicine Ramathibodi Hospital, Mahidol University
Classification: Uncertain significance for Autosomal recessive nonsyndromic hearing loss 2. Last evaluated: 2025-03-12. Review status: no assertion criteria provided. Collection method: research. Allele origin: germline. Inheritance: Autosomal recessive inheritance. Affected: yes. Observed: 2 variant alleles, 2 heterozygotes.
Comment: In silico analysis indicates that this missense variant does not alter protein structure/function; Classified as uncertain significance by the ClinGen Hearing Loss Expert Panel. This variant is not present in population databases (gnomAD no frequency). For these reasons, this variant has been classified as uncertain significance.